The following is an entry in ClinVar:

NM_005035.4(POLRMT):c.2601G>A (p.Val867=)

Gene: POLRMT (RNA polymerase mitochondrial; minus strand). Cytogenetic location: 19p13.3.
Variant type: single nucleotide variant.
Coding change: c.2601G>A on transcript NM_005035.4 (MANE Select); coding-DNA position 2601, G replaced by A.
Protein change: p.Val867=; no amino-acid change (valine 867 retained).
Molecular consequence: synonymous variant. On other transcripts: non-coding transcript variant (1).
Genome position (GRCh38, 1-based): chr19:621,097, C>T on the plus strand (G>A on the coding strand, the complement: POLRMT is on the minus strand). VCF-style: chr19-621097-C-T. GRCh37 (hg19) VCF-style: chr19-621097-C-T.
Other names: c.2601G>A, p.Val867= (NM_001407812.1, NM_001407814.1, NM_001407815.1 and 4 more transcripts); c.2559G>A, p.Val853= (NM_001407813.1, NM_001407811.1); c.2376G>A, p.Val792= (NM_001407830.1, NM_001407832.1); c.2277G>A, p.Val759= (NM_001407831.1, NM_001407833.1, NM_001407835.1 and 1 more transcripts); c.2268G>A, p.Val756= (NM_001407834.1); c.2592G>A, p.Val864= (NM_001407806.1, NM_001407809.1); c.2589G>A, p.Val863= (NM_001407807.1, NM_001407810.1).
Identifiers: ClinVar variation 3777970 (VCV003777970.7).

ClinVar aggregate classification (germline): Likely benign (1 of 4 stars; one submission).

gnomAD v4.1: 392 of 1,607,612 alleles (0.024%); highest among the groups gnomAD compares: Non-Finnish European, 0.032%; 1 homozygote.

Submission:

CeGaT Center for Human Genetics Tuebingen
Classification: Likely benign. Last evaluated: 2025-03-01. Review status: criteria provided, single submitter. Criteria: CeGaT Center For Human Genetics Tuebingen Variant Classification Criteria Version 2. Collection method: clinical testing. Allele origin: germline. Affected: yes. Observed: 1 variant allele.
Comment: POLRMT: PP3, BS2